The following is an entry in ClinVar:

NM_015506.3(MMACHC):c.347T>C (p.Leu116Pro)

Gene: MMACHC (metabolism of cobalamin associated C; plus strand). Cytogenetic location: 1p34.1.
Variant type: single nucleotide variant.
Coding change: c.347T>C on transcript NM_015506.3 (MANE Select); coding-DNA position 347, T replaced by C.
Protein change: p.Leu116Pro; replaces leucine 116 with proline.
Molecular consequence: missense variant.
Genome position (GRCh38, 1-based): chr1:45,508,282, T>C. VCF-style: chr1-45508282-T-C. GRCh37 (hg19) VCF-style: chr1-45973954-T-C.
Other names: c.176T>C, p.Leu59Pro (NM_001330540.2); short protein forms L116P, L59P.
Identifiers: ClinVar variation 1422 (VCV000001422.29), dbSNP rs121918240, ClinGen allele CA251786.

ClinVar aggregate classification (germline): Pathogenic/Likely pathogenic. Review status: criteria provided, multiple submitters, no conflicts (2 of 4 stars). 12 submissions from 12 submitters: Pathogenic (7); Likely pathogenic (1). 4 of the submissions do not count toward it. Last evaluated 2025-09-02.

Conditions:
MMACHC-related disorder. Also called: MMACHC-related condition.
Disorders of Intracellular Cobalamin Metabolism. Identifiers: MedGen CN043592.
Cobalamin C disease. Also called: Methylmalonic aciduria and homocystinuria, Vitamin B12-responsive; Vitamin B12 metabolic defect with combined deficiency of methylmalonyl-CoA mutase and homocysteine:methyltetrahydrofolate methyltransferase; Cobalamin-C methylmalonic acidemia and homocystinuria; Methylmalonic acidemia and homocystinuria cblC type; methylmalonic aciduria and homocystinuria type cblC; Methylmalonic aciduria with homocystinuria cblC type. Identifiers: Orphanet 26, Orphanet 79282, MedGen C1848561, MONDO:0010184, OMIM 277400.

Allele frequency attached by ClinVar (database versions not stated): gnomAD below 0.00001 and 0.00001; TOPMed 0.00001; gnomAD exomes 0.00002 and 0.00005; ExAC 0.00007.

Submissions (12):

First Genomix Gene Laboratory, Genetic Diagnostics Department
Classification: Pathogenic for Cobalamin C disease. Last evaluated: 2025-09-02. Review status: criteria provided, single submitter. Criteria: ACMG Guidelines, 2015. Collection method: clinical testing. Allele origin: germline. Inheritance: Autosomal recessive inheritance. Affected: no. Observed: 1 variant allele.

CeGaT Center for Human Genetics Tuebingen
Classification: Pathogenic. Last evaluated: 2025-09-01. Review status: criteria provided, single submitter. Criteria: CeGaT Center For Human Genetics Tuebingen Variant Classification Criteria Version 2. Collection method: clinical testing. Allele origin: germline. Affected: yes. Observed: 1 variant allele.
Comment: MMACHC: PM3:Very Strong, PM2, PP3, PP4

Natera, Inc.
Classification: Pathogenic for Methylmalonic aciduria and homocystinuria cblC type. Last evaluated: 2025-06-30. Review status: criteria provided, single submitter. Criteria: Natera Variant Classification Schema (03/2026). Collection method: clinical testing. Allele origin: germline.
Comment: The c.347T>C variant in MMACHC is a missense variant predicted to cause substitution of leucine to proline at amino acid 116. The frequency of this variant in the general population is greater than expected for disorder. This variant has been observed in one or more individuals affected with the associated recessive disease, as either homozygous or compound heterozygous with a second variant (PMID: 20631720, 16311595, 20924684, 34510336, 33515116). Additionally, this variant has been observed to segregate in affected family members (PMID: 33515116). Computational prediction algorithms indicate this variant is likely to affect gene or protein function. Given the available evidence, this variant is classified as Pathogenic.

Blueprint Genetics
Classification: Pathogenic for MMACHC-related disorders. Last evaluated: 2024-09-09. Review status: criteria provided, single submitter. Criteria: ACMG Guidelines, 2015. Collection method: clinical testing. Allele origin: germline. Affected: yes. Observed: 5 variant alleles.

Labcorp Genetics (formerly Invitae), Labcorp
Classification: Pathogenic for Cobalamin C disease. Last evaluated: 2024-08-08. Review status: criteria provided, single submitter. Criteria: Invitae Variant Classification Sherloc (09022015). Collection method: clinical testing. Allele origin: germline.
Comment: This sequence change replaces leucine, which is neutral and non-polar, with proline, which is neutral and non-polar, at codon 116 of the MMACHC protein (p.Leu116Pro). This variant is present in population databases (rs121918240, gnomAD 0.04%). This missense change has been observed in individual(s) with homocystinuria, cblC type (PMID: 14568819, 16311595, 18245139, 20631720, 20924684; Invitae). ClinVar contains an entry for this variant (Variation ID: 1422). Advanced modeling of protein sequence and biophysical properties (such as structural, functional, and spatial information, amino acid conservation, physicochemical variation, residue mobility, and thermodynamic stability) has been performed at Invitae for this missense variant, however the output from this modeling did not meet the statistical confidence thresholds required to predict the impact of this variant on MMACHC protein function. For these reasons, this variant has been classified as Pathogenic.

Fulgent Genetics
Classification: Pathogenic for Cobalamin C disease. Last evaluated: 2024-01-20. Review status: criteria provided, single submitter. Criteria: ACMG Guidelines, 2015. Collection method: clinical testing. Allele origin: germline.

Genome-Nilou Lab
Classification: Likely pathogenic for Cobalamin C disease. Last evaluated: 2023-04-11. Review status: criteria provided, single submitter. Criteria: ACMG Guidelines, 2015. Collection method: clinical testing. Allele origin: germline. Affected: no.

Sadaf Naz Human Genetics Laboratory, University of the Punjab
Classification: Pathogenic for Cobalamin C disease. Last evaluated: 2017-09-29. Review status: criteria provided, single submitter. Criteria: ACMG Guidelines, 2015. Collection method: research. Allele origin: germline. Inheritance: Autosomal recessive inheritance. Affected: yes. Observed: 1 homozygote.
Comment: The variant Leu59Pro affects an amino acid that is fully conserved in vertebrates. The variant had been previously reported in 2 individuals with phenotypes of vitamin B-12 deficiency. The variant had low frequency in gnomAD and was absent in 600 chromosomes of ethnically matched control population. In summary, we classify the variant MMACHC c176T>C, p.Leu59Pro as pathogenic due to our segregation analysis, its absence in control population and due to conservation of the amino acid.

Neurology Department, Peking University First Hospital
Classification: Pathogenic for Methylmalonic acidemia with homocystinuria. Last evaluated: 2020-04-23. Review status: no assertion criteria provided. Collection method: research. Allele origin: germline. Affected: yes. Not counted in ClinVar's aggregate classification.

Counsyl
Classification: Likely pathogenic for Cobalamin C disease. Last evaluated: 2017-02-17. Review status: no assertion criteria provided. Collection method: clinical testing. Allele origin: unknown. Not counted in ClinVar's aggregate classification.

OMIM
Classification: Pathogenic for METHYLMALONIC ACIDURIA AND HOMOCYSTINURIA, cblC TYPE. Last evaluated: 2006-01-01. Review status: no assertion criteria provided. Collection method: literature only. Allele origin: germline. Not counted in ClinVar's aggregate classification.

GeneReviews
No classification provided. Condition: Disorders of Intracellular Cobalamin Metabolism. Review status: no classification provided. Collection method: literature only. Allele origin: germline. Not counted in ClinVar's aggregate classification.

Literature cited by the submitters: PubMed 20631720 (cited by 3 submitters); PubMed 16311595 (cited by 6 submitters); PubMed 20924684 (cited by 3 submitters); PubMed 34510336 (cited by Natera, Inc.); PubMed 33515116 (cited by Natera, Inc.); PubMed 14568819 (cited by Labcorp Genetics (formerly Invitae), Labcorp); PubMed 18245139 (cited by Labcorp Genetics (formerly Invitae), Labcorp); PubMed 19370762 (cited by Counsyl); PubMed 22642810 (cited by Counsyl).